The following is an entry in ClinVar:

ClinVar aggregate classification (germline): Uncertain significance (1 of 4 stars; one submission).

Conditions:
Wilms tumor 1 (WT1). Also called: Wilms tumor, somatic. Identifiers: Orphanet 654, MedGen CN033288, MONDO:0008679, OMIM 194070.

Submission:

Labcorp Genetics (formerly Invitae), Labcorp
Classification: Uncertain significance for Wilms tumor 1. Last evaluated: 2017-12-31. Review status: criteria provided, single submitter. Criteria: Invitae Variant Classification Sherloc (09022015). Collection method: clinical testing. Allele origin: germline.
Comment: In summary, the available evidence is currently insufficient to determine the role of this variant in disease. Therefore, it has been classified as a Variant of Uncertain Significance. Algorithms developed to predict the effect of missense changes on protein structure and function do not agree on the potential impact of this missense change (SIFT: "Tolerated"; PolyPhen-2: "Possibly Damaging"; Align-GVGD: "Class C0"). This variant has not been reported in the literature in individuals with GPC3-related disease. This variant is not present in population databases (ExAC no frequency). This sequence change replaces asparagine with aspartic acid at codon 168 of the GPC3 protein (p.Asn168Asp). The asparagine residue is moderately conserved and there is a small physicochemical difference between asparagine and aspartic acid.

NM_004484.4(GPC3):c.502A>G (p.Asn168Asp)

Gene: GPC3 (glypican 3; minus strand). Cytogenetic location: Xq26.2.
Variant type: single nucleotide variant.
Coding change: c.502A>G on transcript NM_004484.4 (MANE Select); coding-DNA position 502, A replaced by G.
Protein change: p.Asn168Asp; replaces asparagine 168 with aspartic acid.
Molecular consequence: missense variant.
Genome position (GRCh38, 1-based): chrX:133,754,012, T>C on the plus strand (A>G on the coding strand, the complement: GPC3 is on the minus strand). VCF-style: chrX-133754012-T-C. GRCh37 (hg19) VCF-style: chrX-132888039-T-C.
Other names: c.502A>G, p.Asn168Asp (NM_001164617.2); c.454A>G, p.Asn152Asp (NM_001164618.2); c.340A>G, p.Asn114Asp (NM_001164619.2); short protein forms N114D, N152D, N168D.
Identifiers: ClinVar variation 1008556 (VCV001008556.9), dbSNP rs2071700573, ClinGen allele CA414706484.